The following is an entry in ClinVar:

ClinVar aggregate classification (germline): Benign/Likely benign. Review status: criteria provided, multiple submitters, no conflicts (2 of 4 stars). 3 submissions from 2 submitters: Benign (1); Likely benign (2). Last evaluated 2018-01-13.

Conditions:
Hereditary motor and sensory neuropathy with optic atrophy. Also called: PERIPHERAL NEUROPATHY AND OPTIC ATROPHY; CHARCOT-MARIE-TOOTH DISEASE, TYPE 6. Identifiers: Orphanet 90120, MedGen C0393807, MONDO:0019551.
Charcot-Marie-Tooth disease type 2. Also called: Charcot-Marie-Tooth type 2. Identifiers: Orphanet 64746, MedGen C0270914, MONDO:0018993.

Allele frequency attached by ClinVar (database versions not stated): TOPMed 0.00034; 1000 Genomes Project 30x 0.00109; gnomAD exomes 0.00112; gnomAD 0.00014 and 0.00039; 1000 Genomes Project 0.00140.
gnomAD v4.1: 320 of 398,370 alleles (0.08%); highest among the groups gnomAD compares: East Asian, 0.93%; 6 homozygotes.

Submissions (3):

Illumina Laboratory Services, Illumina
Classification: Likely benign for Charcot-Marie-Tooth disease, type 2. Last evaluated: 2018-01-13. Review status: criteria provided, single submitter. Criteria: ICSL Variant Classification Criteria 13 December 2019. Collection method: clinical testing. Allele origin: germline.
Comment: This variant was observed in the ICSL laboratory as part of a predisposition screen in an ostensibly healthy population. It had not been previously curated by ICSL or reported in the Human Gene Mutation Database (HGMD: prior to June 1st, 2018), and was therefore a candidate for classification through an automated scoring system. Utilizing variant allele frequency, disease prevalence and penetrance estimates, and inheritance mode, an automated score was calculated to assess if this variant is too frequent to cause the disease. Based on the score and internal cut-off values, a variant classified as likely benign is not then subjected to further curation. The score for this variant resulted in a classification of likely benign for this disease.

Illumina Laboratory Services, Illumina
Classification: Benign for Neuropathy, hereditary motor and sensory, type 6A. Last evaluated: 2018-01-13. Review status: criteria provided, single submitter. Criteria: ICSL Variant Classification Criteria 13 December 2019. Collection method: clinical testing. Allele origin: germline.
Comment: This variant was observed in the ICSL laboratory as part of a predisposition screen in an ostensibly healthy population. It had not been previously curated by ICSL or reported in the Human Gene Mutation Database (HGMD: prior to June 1st, 2018), and was therefore a candidate for classification through an automated scoring system. Utilizing variant allele frequency, disease prevalence and penetrance estimates, and inheritance mode, an automated score was calculated to assess if this variant is too frequent to cause the disease. Based on the score and internal cut-off values, a variant classified as benign is not then subjected to further curation. The score for this variant resulted in a classification of benign for this disease.

GeneDx
Classification: Likely benign. Last evaluated: 2016-02-15. Review status: criteria provided, single submitter. Criteria: GeneDx Variant Classification (06012015). Collection method: clinical testing. Allele origin: germline. Affected: yes.
Comment: This variant is considered likely benign or benign based on one or more of the following criteria: it is a conservative change, it occurs at a poorly conserved position in the protein, it is predicted to be benign by multiple in silico algorithms, and/or has population frequency not consistent with disease.

NM_014874.4(MFN2):c.-161G>A

Gene: MFN2 (mitofusin 2; plus strand). Cytogenetic location: 1p36.22.
Variant type: single nucleotide variant.
Coding change: c.-161G>A on transcript NM_014874.4 (MANE Select); 161 bases upstream of the start codon, G replaced by A.
Molecular consequence: 5 prime UTR variant.
Genome position (GRCh38, 1-based): chr1:11,980,473, G>A. VCF-style: chr1-11980473-G-A. GRCh37 (hg19) VCF-style: chr1-12040530-G-A.
Other names: c.-16G>A (NM_001127660.2).
Identifiers: ClinVar variation 292369 (VCV000292369.5), dbSNP rs140094248, ClinGen allele CA10607550.